The following is an entry in ClinVar:

NM_030773.4(TUBB1):c.17A>G (p.His6Arg)

Gene: TUBB1 (tubulin beta 1 class VI; plus strand). Cytogenetic location: 20q13.32.
Variant type: single nucleotide variant.
Coding change: c.17A>G on transcript NM_030773.4 (MANE Select); coding-DNA position 17, A replaced by G.
Protein change: p.His6Arg; replaces histidine 6 with arginine.
Molecular consequence: missense variant.
Genome position (GRCh38, 1-based): chr20:59,019,539, A>G. VCF-style: chr20-59019539-A-G. GRCh37 (hg19) VCF-style: chr20-57594594-A-G.
Other names: short protein forms H6R.
Identifiers: ClinVar variation 2867684 (VCV002867684.18), dbSNP rs201603899, ClinGen allele CA9928319.

ClinVar aggregate classification (germline): Conflicting classifications of pathogenicity. Review status: criteria provided, conflicting classifications (1 of 4 stars). 3 submissions from 3 submitters: Uncertain significance (2); Likely benign (1). Last evaluated 2025-12-18.

Allele frequency attached by ClinVar (database versions not stated): TOPMed 0.00003; gnomAD exomes 0.00004; ExAC 0.00005; gnomAD 0.00005.
gnomAD v4.1: 69 of 1,614,108 alleles (0.0043%); highest among the groups gnomAD compares: Non-Finnish European, 0.0054%; no homozygotes.

Submissions (3):

Labcorp Genetics (formerly Invitae), Labcorp
Classification: Uncertain significance. Last evaluated: 2025-12-18. Review status: criteria provided, single submitter. Criteria: Invitae Variant Classification Sherloc (09022015). Collection method: clinical testing. Allele origin: germline.
Comment: This sequence change replaces histidine, which is basic and polar, with arginine, which is basic and polar, at codon 6 of the TUBB1 protein (p.His6Arg). This variant is present in population databases (rs201603899, gnomAD 0.01%). This variant has not been reported in the literature in individuals affected with TUBB1-related conditions. ClinVar contains an entry for this variant (Variation ID: 2867684). Invitae Evidence Modeling of protein sequence and biophysical properties (such as structural, functional, and spatial information, amino acid conservation, physicochemical variation, residue mobility, and thermodynamic stability) indicates that this missense variant is expected to disrupt TUBB1 protein function with a positive predictive value of 80%. In summary, the available evidence is currently insufficient to determine the role of this variant in disease. Therefore, it has been classified as a Variant of Uncertain Significance.

CeGaT Center for Human Genetics Tuebingen
Classification: Likely benign. Last evaluated: 2024-11-01. Review status: criteria provided, single submitter. Criteria: CeGaT Center For Human Genetics Tuebingen Variant Classification Criteria Version 2. Collection method: clinical testing. Allele origin: germline. Affected: yes. Observed: 1 variant allele.
Comment: TUBB1: PP3, BS1

Blueprint Genetics
Classification: Uncertain significance. Last evaluated: 2024-09-12. Review status: criteria provided, single submitter. Criteria: ACMG Guidelines, 2015. Collection method: clinical testing. Allele origin: germline.